The following is an entry in ClinVar:

ClinVar aggregate classification (germline): Benign/Likely benign. Review status: criteria provided, multiple submitters, no conflicts (2 of 4 stars). 9 submissions from 9 submitters: Benign (2); Likely benign (7). Last evaluated 2026-04-15.

Conditions:
DICER1-related disorder. Also called: DICER1-related condition.
DICER1-related tumor predisposition. Also called: DICER1 syndrome; DICER1-related pleuropulmonary blastoma cancer predisposition syndrome. Identifiers: Orphanet 284343, MedGen C3839822, MONDO:0100216.
Hereditary cancer-predisposing syndrome. Also called: Neoplastic Syndromes, Hereditary; Hereditary neoplastic syndrome; Hereditary Cancer Syndrome; Tumor predisposition. Identifiers: Orphanet 140162, MedGen C0027672, MeSH D009386, MONDO:0015356.

Allele frequency attached by ClinVar (database versions not stated): gnomAD 0.00007 and 0.00008; ESP Exome Variant Server 0.00008; gnomAD exomes 0.00009 and 0.00010; TOPMed 0.00009; ExAC 0.00012; 1000 Genomes Project 30x 0.00031; 1000 Genomes Project 0.00040.
gnomAD v4.1: 152 of 1,613,474 alleles (0.0094%); highest among the groups gnomAD compares: East Asian, 0.13%; no homozygotes.

Submissions (9):

Myriad Genetics, Inc.
Classification: Benign for DICER1-related tumor predisposition. Last evaluated: 2026-04-15. Review status: criteria provided, single submitter. Criteria: Myriad Autosomal Dominant, Autosomal Recessive and X-Linked Classification Criteria (2023). Collection method: clinical testing. Allele origin: unknown.
Comment: This variant is considered benign. This variant is a silent/synonymous amino acid change and it is not expected to impact splicing.

PreventionGenetics, part of Exact Sciences
Classification: Likely benign for DICER1-related condition. Last evaluated: 2026-02-25. Review status: criteria provided, single submitter. Criteria: ACMG Guidelines, 2015. Collection method: clinical testing. Allele origin: germline.
Comment: This variant is classified as likely benign based on ACMG/AMP sequence variant interpretation guidelines (Richards et al. 2015 PMID: 25741868, with internal and published modifications).

Labcorp Genetics (formerly Invitae), Labcorp
Classification: Benign for DICER1-related tumor predisposition. Last evaluated: 2026-02-01. Review status: criteria provided, single submitter. Criteria: Invitae Variant Classification Sherloc (09022015). Collection method: clinical testing. Allele origin: germline.

Center for Genomic Medicine, Rigshospitalet, Copenhagen University Hospital
Classification: Likely benign. Last evaluated: 2025-03-04. Review status: criteria provided, single submitter. Criteria: ACMG Guidelines, 2015. Collection method: clinical testing. Allele origin: germline.

Blueprint Genetics
Classification: Likely benign. Last evaluated: 2024-06-07. Review status: criteria provided, single submitter. Criteria: ACMG Guidelines, 2015. Collection method: clinical testing. Allele origin: germline.

Sema4
Classification: Likely benign for Hereditary cancer-predisposing syndrome. Last evaluated: 2021-08-17. Review status: criteria provided, single submitter. Criteria: Sema4 Curation Guidelines. Collection method: curation. Allele origin: germline.

Mendelics
Classification: Likely benign for Pleuropulmonary blastoma. Last evaluated: 2019-05-28. Review status: criteria provided, single submitter. Criteria: Mendelics Assertion Criteria 2017. Collection method: clinical testing. Allele origin: unknown.

GeneDx
Classification: Likely benign. Last evaluated: 2018-01-18. Review status: criteria provided, single submitter. Criteria: GeneDx Variant Classification (06012015). Collection method: clinical testing. Allele origin: germline. Affected: yes.
Comment: This variant is considered likely benign or benign based on one or more of the following criteria: it is a conservative change, it occurs at a poorly conserved position in the protein, it is predicted to be benign by multiple in silico algorithms, and/or has population frequency not consistent with disease.

Ambry Genetics
Classification: Likely benign for Hereditary cancer-predisposing syndrome. Last evaluated: 2017-04-12. Review status: criteria provided, single submitter. Criteria: Ambry Variant Classification Scheme 2023. Collection method: clinical testing. Allele origin: germline.

NM_177438.3(DICER1):c.1692G>A (p.Ala564=)

Gene: DICER1 (dicer 1, ribonuclease III; minus strand). Cytogenetic location: 14q32.13.
Variant type: single nucleotide variant.
Coding change: c.1692G>A on transcript NM_177438.3 (MANE Select); coding-DNA position 1692, G replaced by A.
Protein change: p.Ala564=; no amino-acid change (alanine 564 retained).
Molecular consequence: synonymous variant.
Genome position (GRCh38, 1-based): chr14:95,116,513, C>T on the plus strand (G>A on the coding strand, the complement: DICER1 is on the minus strand). VCF-style: chr14-95116513-C-T. GRCh37 (hg19) VCF-style: chr14-95582850-C-T.
Other names: c.1692G>A, p.Ala564= (NM_001195573.1, NM_001271282.3, NM_001291628.2 and 1 more transcripts).
Identifiers: ClinVar variation 242048 (VCV000242048.22), dbSNP rs143117334, ClinGen allele CA7331438.
Genomic context (GRCh38, chr14:95,116,513, plus strand): 5'-CTTTTCAATAGCTTTGTAGGTTTTAAGGTCTTCTTCAAAACTTTTTATTTTGTCTGTATC[C>T]GCTAACATTATATAATTAGAGATGGGTGCCCTTGCTCTTCCTTTAGATTGAACATAGGAT-3'
Protein context (NP_803187.1, residues 554-574): RAPISNYIML[Ala564=]DTDKIKSFEE